The following is an entry in ClinVar:

NM_000059.4(BRCA2):c.794-172G>C

Gene: BRCA2 (BRCA2 DNA repair associated; plus strand). Cytogenetic location: 13q13.1.
Variant type: single nucleotide variant.
Coding change: c.794-172G>C on transcript NM_000059.4 (MANE Select); 172 bases into the intron before coding-DNA position 794, G replaced by C.
Molecular consequence: intron variant.
Genome position (GRCh38, 1-based): chr13:32,332,100, G>C. VCF-style: chr13-32332100-G-C. GRCh37 (hg19) VCF-style: chr13-32906237-G-C.
Other names: IVS 9-172G>C.
Identifiers: ClinVar variation 209673 (VCV000209673.5), dbSNP rs58259010, ClinGen allele CA276642.

ClinVar aggregate classification (germline): Benign. Review status: reviewed by expert panel (3 of 4 stars). 4 submissions from 3 submitters: Benign (1). 3 of the submissions do not count toward it. Last evaluated 2015-01-12.

Conditions:
Familial cancer of breast. Also called: BREAST CANCER, FAMILIAL; Hereditary breast cancer; hereditary breast carcinoma. Identifiers: Orphanet 227535, MedGen C0346153, MONDO:0016419, OMIM 114480. Disease mechanism: loss of function.
Breast-ovarian cancer, familial, susceptibility to, 2 (BROVCA2). Also called: BRCA2 Hereditary Breast and Ovarian Cancer. Identifiers: Orphanet 145, MedGen C2675520, MONDO:0012933, OMIM 612555. Disease mechanism: loss of function.

Allele frequency attached by ClinVar (database versions not stated): gnomAD 0.00649 and 0.00691; 1000 Genomes Project 0.00719; TOPMed 0.00723; 1000 Genomes Project 30x 0.00859.
gnomAD v4.1: 978 of 152,230 alleles (0.64%); highest among the groups gnomAD compares: African/African-American, 2.3%; 7 homozygotes.

Submissions (4):

Evidence-based Network for the Interpretation of Germline Mutant Alleles (ENIGMA)
Classification: Benign for Breast-ovarian cancer, familial 2. Last evaluated: 2015-01-12. Review status: reviewed by expert panel. Criteria: ENIGMA BRCA1/2 Classification Criteria (2015). Collection method: curation. Allele origin: germline.
Comment: Class 1 not pathogenic based on frequency >1% in an outbred sampleset. Frequency 0.02642 (African), derived from 1000 genomes (2012-04-30).

KCCC/NGS Laboratory, Kuwait Cancer Control Center
Classification: Benign for Familial cancer of breast. Last evaluated: 2025-02-01. Review status: criteria provided, single submitter. Criteria: ACMG Guidelines, 2015. Collection method: clinical testing. Allele origin: germline. Affected: no. Not counted in ClinVar's aggregate classification.

KCCC/NGS Laboratory, Kuwait Cancer Control Center
Classification: Benign for Breast-ovarian cancer, familial, susceptibility to, 2. Last evaluated: 2023-07-07. Review status: criteria provided, single submitter. Criteria: ACMG Guidelines, 2015. Collection method: clinical testing. Allele origin: germline. Affected: yes. Not counted in ClinVar's aggregate classification.

GeneDx
Classification: Likely benign. Last evaluated: 2018-06-25. Review status: criteria provided, single submitter. Criteria: GeneDx Variant Classification Process June 2021. Collection method: clinical testing. Allele origin: germline. Affected: yes. Not counted in ClinVar's aggregate classification.